The following is an entry in ClinVar:

NM_014251.3(SLC25A13):c.1789_1790del (p.Leu597fs)

Gene: SLC25A13 (solute carrier family 25 member 13; minus strand). Cytogenetic location: 7q21.3.
Variant type: Deletion.
Coding change: c.1789_1790del on transcript NM_014251.3 (MANE Select); coding-DNA positions 1789 to 1790, 2 bases deleted (TT; older notation c.1789_1790delTT).
Protein change: p.Leu597fs; shifts the reading frame from leucine 597.
Molecular consequence: frameshift variant. On other transcripts: non-coding transcript variant (1).
Genome position (GRCh38, 1-based): chr7:96,121,706-96,121,707, AA deleted on the plus strand (TT on the coding strand, the reverse complement: SLC25A13 is on the minus strand); deleting any 2 consecutive bases within chr7:96,121,706-96,121,708 gives the same sequence; the c. name uses the placement nearest the transcript's 3' end. VCF-style (leftmost placement, unchanged base first): chr7-96121705-CAA-C. GRCh37 (hg19) VCF-style: chr7-95751017-CAA-C.
Other names: c.1792_1793del, p.Leu598fs (NM_001160210.2); short protein forms L597fs, L598fs.
Identifiers: ClinVar variation 3344826 (VCV003344826.1).
Genomic context (GRCh38, chr7:96,121,705, plus strand): 5'-TGATACTTACACTCCTCCAAAATCAATGTAGAACCATCGCTGTAGCAATTCGTAAGTCAG[CAA>C]AGTTACACCAAACTGGGGTGAGGATCGAAATACACGAGCTTTAAAAAAATGGAGAAATCA-3'

ClinVar aggregate classification (germline): Likely pathogenic (0 of 4 stars; one submission).

Conditions:
SLC25A13-related disorder. Also called: SLC25A13-related condition.

Submission:

PreventionGenetics, part of Exact Sciences
Classification: Likely pathogenic for SLC25A13-related condition. Last evaluated: 2024-08-17. Review status: no assertion criteria provided. Collection method: clinical testing. Allele origin: germline.
Comment: The SLC25A13 c.1789_1790delTT variant is predicted to result in a frameshift and premature protein termination (p.Leu597Alafs*13). To our knowledge, this variant has not been reported in the literature or in a large population database, indicating this variant is rare. Frameshift variants in SLC25A13 are expected to be pathogenic. This variant is interpreted as likely pathogenic.